The following is an entry in ClinVar:

NM_001165963.4(SCN1A):c.1714A>G (p.Thr572Ala)

Gene: SCN1A (sodium voltage-gated channel alpha subunit 1; minus strand). Cytogenetic location: 2q24.3.
Variant type: single nucleotide variant.
Coding change: c.1714A>G on transcript NM_001165963.4 (MANE Select); coding-DNA position 1714, A replaced by G.
Protein change: p.Thr572Ala; replaces threonine 572 with alanine.
Molecular consequence: missense variant. On other transcripts: 5 prime UTR variant (1), non-coding transcript variant (1).
Genome position (GRCh38, 1-based): chr2:166,043,998, T>C on the plus strand (A>G on the coding strand, the complement: SCN1A is on the minus strand). VCF-style: chr2-166043998-T-C. GRCh37 (hg19) VCF-style: chr2-166900508-T-C.
Other names: c.1714A>G, p.Thr572Ala (NM_001165964.3, NM_001202435.3, NM_001353948.2 and 7 more transcripts); c.1711A>G, p.Thr571Ala (NM_001353954.2, NM_001353955.2, NM_001353960.2); c.-712A>G (NM_001353961.2); short protein forms T571A, T572A.
Identifiers: ClinVar variation 2574289 (VCV002574289.2), dbSNP rs2468155756, ClinGen allele CA349067972.

ClinVar aggregate classification (germline): Uncertain significance (1 of 4 stars; one submission).

Submission:

GeneDx
Classification: Uncertain significance. Last evaluated: 2024-01-30. Review status: criteria provided, single submitter. Criteria: GeneDx Variant Classification Process June 2021. Collection method: clinical testing. Allele origin: germline. Affected: yes.
Comment: Not observed at significant frequency in large population cohorts (gnomAD); Missense variants in this gene are a common cause of disease and they are underrepresented in the general population; In silico analysis supports that this missense variant does not alter protein structure/function; Has not been previously published as pathogenic or benign to our knowledge; This substitution is predicted to be in the cytoplasmic loop between the first and second homologous domains